The following is an entry in ClinVar:

NM_054027.6(ANKH):c.*4268C>A

Genes: ANKH (ANKH inorganic pyrophosphate transport regulator; minus strand), OTULIN (OTU deubiquitinase with linear linkage specificity; plus strand). Cytogenetic location: 5p15.2.
Variant type: single nucleotide variant.
Coding change: c.*4268C>A on transcript NM_054027.6 (MANE Select); 4268 bases downstream of the stop codon, C replaced by A.
Molecular consequence: 3 prime UTR variant.
Genome position (GRCh38, 1-based): chr5:14,706,929, G>T on the plus strand (C>A on the coding strand, the complement: ANKH is on the minus strand). VCF-style: chr5-14706929-G-T. GRCh37 (hg19) VCF-style: chr5-14707038-G-T.
Identifiers: ClinVar variation 351414 (VCV000351414.5), dbSNP rs150706862, ClinGen allele CA10620454.

ClinVar aggregate classification (germline): Benign. Review status: criteria provided, single submitter (1 of 4 stars). 2 submissions from 1 submitter: Benign (2). Last evaluated 2018-01-13.

Conditions:
Craniometaphyseal dysplasia, autosomal dominant (CMDD). Identifiers: Orphanet 1522, MedGen C1852502, MONDO:0007397, OMIM 123000.
Chondrocalcinosis 2. Also called: CALCIUM GOUT; CALCIUM PYROPHOSPHATE ARTHROPATHY; Familial calcium pyrophosphate deposition. Identifiers: Orphanet 1416, MedGen C0856830, MONDO:0007319, OMIM 118600.

Allele frequency attached by ClinVar (database versions not stated): 1000 Genomes Project 30x 0.00562; TOPMed 0.00615; 1000 Genomes Project 0.00619.

Submissions (2):

Illumina Laboratory Services, Illumina
Classification: Benign for Chondrocalcinosis 2. Last evaluated: 2018-01-13. Review status: criteria provided, single submitter. Criteria: ICSL Variant Classification Criteria 13 December 2019. Collection method: clinical testing. Allele origin: germline.
Comment: This variant was observed in the ICSL laboratory as part of a predisposition screen in an ostensibly healthy population. It had not been previously curated by ICSL or reported in the Human Gene Mutation Database (HGMD: prior to June 1st, 2018), and was therefore a candidate for classification through an automated scoring system. Utilizing variant allele frequency, disease prevalence and penetrance estimates, and inheritance mode, an automated score was calculated to assess if this variant is too frequent to cause the disease. Based on the score and internal cut-off values, a variant classified as benign is not then subjected to further curation. The score for this variant resulted in a classification of benign for this disease.

Illumina Laboratory Services, Illumina
Classification: Benign for Craniometaphyseal dysplasia, autosomal dominant. Last evaluated: 2018-01-13. Review status: criteria provided, single submitter. Criteria: ICSL Variant Classification Criteria 13 December 2019. Collection method: clinical testing. Allele origin: germline.
Comment: the same text as in the submission from Illumina Laboratory Services, Illumina above.